The following is an entry in ClinVar:

NM_014874.4(MFN2):c.1806C>T (p.Ser602=)

Gene: MFN2 (mitofusin 2; plus strand). Cytogenetic location: 1p36.22.
Variant type: single nucleotide variant.
Coding change: c.1806C>T on transcript NM_014874.4 (MANE Select); coding-DNA position 1806, C replaced by T.
Protein change: p.Ser602=; no amino-acid change (serine 602 retained).
Molecular consequence: synonymous variant.
Genome position (GRCh38, 1-based): chr1:12,006,627, C>T. VCF-style: chr1-12006627-C-T. GRCh37 (hg19) VCF-style: chr1-12066684-C-T.
Other names: p.S602S:TCC>TCT; c.1806C>T, p.Ser602= (NM_001127660.2).
Identifiers: ClinVar variation 214635 (VCV000214635.41), dbSNP rs201258935, ClinGen allele CA320518.

ClinVar aggregate classification (germline): Benign/Likely benign. Review status: criteria provided, multiple submitters, no conflicts (2 of 4 stars). 8 submissions from 7 submitters: Benign (6); Likely benign (2). Last evaluated 2026-07-01.

Conditions:
Inborn genetic diseases. Identifiers: MedGen C0950123, MeSH D030342.
Charcot-Marie-Tooth disease type 2. Also called: Charcot-Marie-Tooth type 2. Identifiers: Orphanet 64746, MedGen C0270914, MONDO:0018993.
Charcot-Marie-Tooth disease. Also called: Charcot-Marie-Tooth Neuropathy; Charcot-Marie-Tooth Hereditary Neuropathy. Identifiers: Orphanet 166, MedGen C0007959, MONDO:0015626.
Hereditary motor and sensory neuropathy with optic atrophy. Also called: CHARCOT-MARIE-TOOTH DISEASE, TYPE 6; PERIPHERAL NEUROPATHY AND OPTIC ATROPHY. Identifiers: Orphanet 90120, MedGen C0393807, MONDO:0019551.

Allele frequency attached by ClinVar (database versions not stated): gnomAD 0.00001 and 0.00040; ESP Exome Variant Server 0.00008; TOPMed 0.00008; gnomAD exomes 0.00068 and 0.00145; ExAC 0.00155; 1000 Genomes Project 0.00339; 1000 Genomes Project 30x 0.00344.
gnomAD v4.1: 1,066 of 1,614,206 alleles (0.066%); highest among the groups gnomAD compares: South Asian, 1.1%; 18 homozygotes.

Submissions (8):

CeGaT Center for Human Genetics Tuebingen
Classification: Benign. Last evaluated: 2026-07-01. Review status: criteria provided, single submitter. Criteria: CeGaT Center For Human Genetics Tuebingen Variant Classification Criteria Version 2. Collection method: clinical testing. Allele origin: germline. Affected: yes. Observed: 3 variant alleles.
Comment: MFN2: BP4, BS1, BS2

Labcorp Genetics (formerly Invitae), Labcorp
Classification: Benign for Charcot-Marie-Tooth disease type 2. Last evaluated: 2025-12-26. Review status: criteria provided, single submitter. Criteria: Invitae Variant Classification Sherloc (09022015). Collection method: clinical testing. Allele origin: germline.

Athena Diagnostics
Classification: Benign. Last evaluated: 2023-11-10. Review status: criteria provided, single submitter. Criteria: Athena Diagnostics Criteria. Collection method: clinical testing. Allele origin: unknown.

Ambry Genetics
Classification: Likely benign for Inborn genetic diseases. Last evaluated: 2019-07-11. Review status: criteria provided, single submitter. Criteria: Ambry Variant Classification Scheme 2023. Collection method: clinical testing. Allele origin: germline.

Illumina Laboratory Services, Illumina
Classification: Benign for Charcot-Marie-Tooth disease, type 2. Last evaluated: 2018-01-12. Review status: criteria provided, single submitter. Criteria: ICSL Variant Classification Criteria 13 December 2019. Collection method: clinical testing. Allele origin: germline.
Comment: This variant was observed in the ICSL laboratory as part of a predisposition screen in an ostensibly healthy population. It had not been previously curated by ICSL or reported in the Human Gene Mutation Database (HGMD: prior to June 1st, 2018), and was therefore a candidate for classification through an automated scoring system. Utilizing variant allele frequency, disease prevalence and penetrance estimates, and inheritance mode, an automated score was calculated to assess if this variant is too frequent to cause the disease. Based on the score and internal cut-off values, a variant classified as benign is not then subjected to further curation. The score for this variant resulted in a classification of benign for this disease.

Illumina Laboratory Services, Illumina
Classification: Benign for Neuropathy, hereditary motor and sensory, type 6A. Last evaluated: 2018-01-12. Review status: criteria provided, single submitter. Criteria: ICSL Variant Classification Criteria 13 December 2019. Collection method: clinical testing. Allele origin: germline.
Comment: the same text as in the submission from Illumina Laboratory Services, Illumina above.

GeneDx
Classification: Benign. Last evaluated: 2014-09-16. Review status: criteria provided, single submitter. Criteria: GeneDx Variant Classification (06012015). Collection method: clinical testing. Allele origin: germline. Affected: yes.
Comment: This variant is considered likely benign or benign based on one or more of the following criteria: it is a conservative change, it occurs at a poorly conserved position in the protein, it is predicted to be benign by multiple in silico algorithms, and/or has population frequency not consistent with disease.

Molecular Genetics Laboratory, London Health Sciences Centre
Classification: Likely benign for Charcot-Marie-Tooth disease. Review status: criteria provided, single submitter. Criteria: ACMG Guidelines, 2015. Collection method: clinical testing. Allele origin: germline. Affected: yes.